The following is an entry in ClinVar:

ClinVar aggregate classification (germline): Uncertain significance (1 of 4 stars; one submission).

Submission:

GeneDx
Classification: Uncertain significance. Last evaluated: 2023-06-28. Review status: criteria provided, single submitter. Criteria: GeneDx Variant Classification Process June 2021. Collection method: clinical testing. Allele origin: germline. Affected: yes.
Comment: In silico analysis supports that this missense variant does not alter protein structure/function; Has not been previously published as pathogenic or benign to our knowledge

NM_145886.4(PIDD1):c.2416G>A (p.Val806Met)

Gene: PIDD1 (p53-induced death domain protein 1; minus strand). Cytogenetic location: 11p15.5.
Variant type: single nucleotide variant.
Coding change: c.2416G>A on transcript NM_145886.4 (MANE Select); coding-DNA position 2416, G replaced by A.
Protein change: p.Val806Met; replaces valine 806 with methionine.
Molecular consequence: missense variant.
Genome position (GRCh38, 1-based): chr11:799,873, C>T on the plus strand (G>A on the coding strand, the complement: PIDD1 is on the minus strand). VCF-style: chr11-799873-C-T. GRCh37 (hg19) VCF-style: chr11-799873-C-T.
Other names: c.2365G>A, p.Val789Met (NM_145887.4); short protein forms V789M, V806M.
Identifiers: ClinVar variation 3360377 (VCV003360377.1).
Genomic context (GRCh38, chr11:799,873, plus strand): 5'-ACCGGAACTCGTGCCGGATGCGCTGCACCTCCCGGTAGGACACCCCCAGGTGCAGGGCCA[C>T]GGCTGGCCAGTCCAGACCCAGACGCCCAGCCACACTCAGCAGGTTGCTCTGCGTCAGAAA-3'
Protein context (NP_665893.2, residues 796-816): AGRLGLDWPA[Val806Met]ALHLGVSYRE